The following is an entry in ClinVar:

ClinVar aggregate classification (germline): Likely pathogenic. Review status: criteria provided, multiple submitters, no conflicts (2 of 4 stars). 4 submissions from 4 submitters: Likely pathogenic (4). Last evaluated 2024-03-18.

Conditions:
Familial cancer of breast. Also called: Hereditary breast cancer; hereditary breast carcinoma; BREAST CANCER, FAMILIAL. Identifiers: Orphanet 227535, MedGen C0346153, MONDO:0016419, OMIM 114480. Disease mechanism: loss of function.
Fanconi anemia complementation group J. Also called: BRIP1-Related Fanconi Anemia. Identifiers: Orphanet 84, MedGen C1836860, MONDO:0012187, OMIM 609054.
Hereditary cancer-predisposing syndrome. Also called: Hereditary Cancer Syndrome; Neoplastic Syndromes, Hereditary; Hereditary neoplastic syndrome; Tumor predisposition. Identifiers: Orphanet 140162, MedGen C0027672, MeSH D009386, MONDO:0015356.

Submissions (4):

Hereditary Cancer Laboratory, Hospital Universitario 12 de Octubre
Classification: Likely pathogenic for Hereditary cancer-predisposing syndrome. Last evaluated: 2024-03-18. Review status: criteria provided, single submitter. Criteria: ACMG Guidelines, 2015. Collection method: clinical testing. Allele origin: germline.
Comment: PVS1+PM2+PP3

Myriad Genetics, Inc.
Classification: Likely pathogenic for Familial cancer of breast. Last evaluated: 2023-06-07. Review status: criteria provided, single submitter. Criteria: Myriad Autosomal Dominant, Autosomal Recessive and X-Linked Classification Criteria (2023). Collection method: clinical testing. Allele origin: unknown.
Comment: This variant is considered likely pathogenic. This variant occurs within a consensus splice junction and is predicted to result in abnormal mRNA splicing of either an out-of-frame exon or an in-frame exon necessary for protein stability and/or normal function.

Labcorp Genetics (formerly Invitae), Labcorp
Classification: Likely pathogenic for Familial cancer of breast; Fanconi anemia complementation group J. Last evaluated: 2022-06-15. Review status: criteria provided, single submitter. Criteria: Invitae Variant Classification Sherloc (09022015). Collection method: clinical testing. Allele origin: germline.
Comment: In summary, the currently available evidence indicates that the variant is pathogenic, but additional data are needed to prove that conclusively. Therefore, this variant has been classified as Likely Pathogenic. Algorithms developed to predict the effect of sequence changes on RNA splicing suggest that this variant may disrupt the consensus splice site. ClinVar contains an entry for this variant (Variation ID: 821357). This variant has not been reported in the literature in individuals affected with BRIP1-related conditions. This variant is not present in population databases (gnomAD no frequency). This sequence change affects a splice site in intron 17 of the BRIP1 gene. It is expected to disrupt RNA splicing. Variants that disrupt the donor or acceptor splice site typically lead to a loss of protein function (PMID: 16199547), and loss-of-function variants in BRIP1 are known to be pathogenic (PMID: 16116423, 17033622, 21964575).

Ambry Genetics
Classification: Likely pathogenic for Hereditary cancer-predisposing syndrome. Last evaluated: 2018-10-12. Review status: criteria provided, single submitter. Criteria: Ambry Variant Classification Scheme 2023. Collection method: clinical testing. Allele origin: germline.
Comment: The c.2492+1delG intronic variant, located in intron 16 of the BRIP1 gene, results from a deletion of one nucleotide within intron 16 of the BRIP1 gene. This nucleotide position is highly conserved in available vertebrate species. Using two different splice site prediction tools, this alteration is predicted by BDGP to abolish the native splice acceptor site, but is predicted to weaken (but not abolish) the efficiency of the native splice acceptor site by ESEfinder; however, direct evidence is unavailable. Alterations that disrupt the canonical splice site are expected to cause aberrant splicing, resulting in an abnormal protein or a transcript that is subject to nonsense-mediated mRNA decay. As such, this alteration is classified as likely pathogenic.

Literature cited by the submitters: PubMed 16199547 (cited by Labcorp Genetics (formerly Invitae), Labcorp); PubMed 16116423 (cited by Labcorp Genetics (formerly Invitae), Labcorp); PubMed 17033622 (cited by Labcorp Genetics (formerly Invitae), Labcorp); PubMed 21964575 (cited by Labcorp Genetics (formerly Invitae), Labcorp).

NM_032043.3(BRIP1):c.2492+1del

Gene: BRIP1 (BRCA1 interacting DNA helicase 1; minus strand). Cytogenetic location: 17q23.2.
Variant type: Deletion.
Coding change: c.2492+1del on transcript NM_032043.3 (MANE Select); the canonical splice donor site of the intron after coding-DNA position 2492, one base deleted (G; older notation c.2492+1delG).
Molecular consequence: splice donor variant.
Genome position (GRCh38, 1-based): chr17:61,715,950, C deleted on the plus strand (G on the coding strand, the reverse complement: BRIP1 is on the minus strand); the first of 2 consecutive C bases (chr17:61,715,950-61,715,951); deleting either gives the same sequence. VCF-style (leftmost placement, unchanged base first): chr17-61715949-AC-A. GRCh37 (hg19) VCF-style: chr17-59793310-AC-A.
Identifiers: ClinVar variation 821357 (VCV000821357.16), dbSNP rs1603293314, ClinGen allele CA915950697.
Genomic context (GRCh38, chr17:61,715,949, plus strand): 5'-GACTAGATTTATATATATAGCCCTGTCACAGATAATATTATATTAAATTTCACTCCACTT[AC>A]CTACCAAGGGCCTGGTTTAAGGCCCTGTATGCTTGAATTTCATACCACTGACGGCCAGGT-3'